The following is an entry in ClinVar:

NM_018010.4(IFT57):c.1285del (p.Tyr429fs)

Gene: IFT57 (intraflagellar transport 57; minus strand). Cytogenetic location: 3q13.12.
Variant type: Deletion.
Coding change: c.1285del on transcript NM_018010.4 (MANE Select); coding-DNA position 1285, one base deleted (T; older notation c.1285delT).
Protein change: p.Tyr429fs; shifts the reading frame from tyrosine 429.
Molecular consequence: frameshift variant.
Genome position (GRCh38, 1-based): chr3:108,162,482, A deleted on the plus strand (T on the coding strand, the reverse complement: IFT57 is on the minus strand); the first of 4 consecutive A bases (chr3:108,162,482-108,162,485); deleting any one gives the same sequence. VCF-style (leftmost placement, unchanged base first): chr3-108162481-TA-T. GRCh37 (hg19) VCF-style: chr3-107881328-TA-T.
Other names: short protein forms Y429fs.
Identifiers: ClinVar variation 2992210 (VCV002992210.3), dbSNP rs747262059, ClinGen allele CA2526427.

ClinVar aggregate classification (germline): Uncertain significance (1 of 4 stars; one submission).

Submission:

Labcorp Genetics (formerly Invitae), Labcorp
Classification: Uncertain significance. Last evaluated: 2025-06-09. Review status: criteria provided, single submitter. Criteria: Invitae Variant Classification Sherloc (09022015). Collection method: clinical testing. Allele origin: germline.
Comment: This sequence change is expected to alter the c-terminus of the IFT57 protein (p.Tyr429Ilefs*10). While this is not anticipated to result in nonsense mediated decay, it is expected to disrupt the last 1 amino acid(s) of the IFT57 protein and extend the protein by 8 additional amino acid residues. This variant is present in population databases (rs747262059, gnomAD 0.003%). This variant has not been reported in the literature in individuals affected with IFT57-related conditions. ClinVar contains an entry for this variant (Variation ID: 2992210). Experimental studies and prediction algorithms are not available or were not evaluated, and the functional significance of this variant is currently unknown. In summary, the available evidence is currently insufficient to determine the role of this variant in disease. Therefore, it has been classified as a Variant of Uncertain Significance.